The following is an entry in ClinVar:

NM_014009.4(FOXP3):c.637G>T (p.Asp213Tyr)

Gene: FOXP3 (forkhead box P3; minus strand). Cytogenetic location: Xp11.23.
Variant type: single nucleotide variant.
Coding change: c.637G>T on transcript NM_014009.4 (MANE Select); coding-DNA position 637, G replaced by T.
Protein change: p.Asp213Tyr; replaces aspartic acid 213 with tyrosine.
Molecular consequence: missense variant.
Genome position (GRCh38, 1-based): chrX:49,256,761, C>A on the plus strand (G>T on the coding strand, the complement: FOXP3 is on the minus strand). VCF-style: chrX-49256761-C-A. GRCh37 (hg19) VCF-style: chrX-49113218-C-A.
Other names: c.532G>T, p.Asp178Tyr (NM_001114377.2); short protein forms D213Y, D178Y.
Identifiers: ClinVar variation 1466202 (VCV001466202.8), dbSNP rs2147948474, ClinGen allele CA412951290.

ClinVar aggregate classification (germline): Uncertain significance (1 of 4 stars; one submission).

Conditions:
Insulin-dependent diabetes mellitus secretory diarrhea syndrome (IPEX). Also called: DIABETES MELLITUS, CONGENITAL INSULIN-DEPENDENT, WITH FATAL SECRETORY DIARRHEA; DIARRHEA, POLYENDOCRINOPATHY, FATAL INFECTION SYNDROME, X-LINKED; ENTEROPATHY, AUTOIMMUNE, WITH HEMOLYTIC ANEMIA AND POLYENDOCRINOPATHY; IPEX and IPEX-Like; X-Linked Autoimmunity-Allergic Dysregulation Syndrome; Immune dysregulation-polyendocrinopathy-enteropathy-X-linked syndrome. Identifiers: Orphanet 37042, MedGen C0342288, MONDO:0010580, OMIM 304790. Disease mechanism: loss of function.

Submission:

Labcorp Genetics (formerly Invitae), Labcorp
Classification: Uncertain significance for Insulin-dependent diabetes mellitus secretory diarrhea syndrome. Last evaluated: 2021-07-11. Review status: criteria provided, single submitter. Criteria: Invitae Variant Classification Sherloc (09022015). Collection method: clinical testing. Allele origin: germline.
Comment: Advanced modeling of protein sequence and biophysical properties (such as structural, functional, and spatial information, amino acid conservation, physicochemical variation, residue mobility, and thermodynamic stability) performed at Invitae indicates that this missense variant is not expected to disrupt FOXP3 protein function. In summary, the available evidence is currently insufficient to determine the role of this variant in disease. Therefore, it has been classified as a Variant of Uncertain Significance. This variant has not been reported in the literature in individuals affected with FOXP3-related conditions. This variant is not present in population databases (ExAC no frequency). This sequence change replaces aspartic acid with tyrosine at codon 213 of the FOXP3 protein (p.Asp213Tyr). The aspartic acid residue is weakly conserved and there is a large physicochemical difference between aspartic acid and tyrosine.